The following is an entry in ClinVar:

NM_006059.4(LAMC3):c.1019G>A (p.Arg340Gln)

Gene: LAMC3 (laminin subunit gamma 3; plus strand). Cytogenetic location: 9q34.12.
Variant type: single nucleotide variant.
Coding change: c.1019G>A on transcript NM_006059.4 (MANE Select); coding-DNA position 1019, G replaced by A.
Protein change: p.Arg340Gln; replaces arginine 340 with glutamine.
Molecular consequence: missense variant.
Genome position (GRCh38, 1-based): chr9:131,038,906, G>A. VCF-style: chr9-131038906-G-A. GRCh37 (hg19) VCF-style: chr9-133914293-G-A.
Other names: short protein forms R340Q.
Identifiers: ClinVar variation 281566 (VCV000281566.17), dbSNP rs149004188, ClinGen allele CA5286913.

ClinVar aggregate classification (germline): Conflicting classifications of pathogenicity. Review status: criteria provided, conflicting classifications (1 of 4 stars). 5 submissions from 5 submitters: Uncertain significance (1); Likely benign (3). 1 of the submissions does not count toward it. Last evaluated 2025-11-25.

Conditions:
LAMC3-related disorder. Also called: LAMC3-related condition.
Inborn genetic diseases. Identifiers: MedGen C0950123, MeSH D030342.

Allele frequency attached by ClinVar (database versions not stated): 1000 Genomes Project 30x 0.00016; ESP Exome Variant Server 0.00023; ExAC 0.00033; gnomAD exomes 0.00034; gnomAD 0.00036 and 0.00037; TOPMed 0.00051.
gnomAD v4.1: 194 of 1,613,352 alleles (0.012%); highest among the groups gnomAD compares: East Asian, 0.17%; no homozygotes.

Submissions (5):

Labcorp Genetics (formerly Invitae), Labcorp
Classification: Likely benign. Last evaluated: 2025-11-25. Review status: criteria provided, single submitter. Criteria: Invitae Variant Classification Sherloc (09022015). Collection method: clinical testing. Allele origin: germline.

Ambry Genetics
Classification: Likely benign for Inborn genetic diseases. Last evaluated: 2024-03-16. Review status: criteria provided, single submitter. Criteria: Ambry Variant Classification Scheme 2023. Collection method: clinical testing. Allele origin: germline.

GeneDx
Classification: Likely benign. Last evaluated: 2017-12-13. Review status: criteria provided, single submitter. Criteria: GeneDx Variant Classification (06012015). Collection method: clinical testing. Allele origin: germline. Affected: yes.
Comment: This variant is considered likely benign or benign based on one or more of the following criteria: it is a conservative change, it occurs at a poorly conserved position in the protein, it is predicted to be benign by multiple in silico algorithms, and/or has population frequency not consistent with disease.

Eurofins Ntd Llc (ga)
Classification: Uncertain significance. Last evaluated: 2015-06-29. Review status: criteria provided, single submitter. Criteria: EGL Classification Definitions 2015. Collection method: clinical testing. Allele origin: germline. Observed: 1 variant allele, 1 heterozygote.

PreventionGenetics, part of Exact Sciences
Classification: Likely benign for LAMC3-related condition. Last evaluated: 2024-08-12. Review status: no assertion criteria provided. Collection method: clinical testing. Allele origin: germline. Not counted in ClinVar's aggregate classification.
Comment: This variant is classified as likely benign based on ACMG/AMP sequence variant interpretation guidelines (Richards et al. 2015 PMID: 25741868, with internal and published modifications).